The following is an entry in ClinVar:

ClinVar aggregate classification (germline): Uncertain significance (1 of 4 stars; one submission).

Conditions:
Hereditary cancer-predisposing syndrome. Also called: Tumor predisposition; Hereditary neoplastic syndrome; Neoplastic Syndromes, Hereditary; Hereditary Cancer Syndrome. Identifiers: Orphanet 140162, MedGen C0027672, MeSH D009386, MONDO:0015356.

Submission:

Ambry Genetics
Classification: Uncertain significance for Hereditary cancer-predisposing syndrome. Last evaluated: 2025-03-30. Review status: criteria provided, single submitter. Criteria: Ambry Variant Classification Scheme 2023. Collection method: clinical testing. Allele origin: germline.
Comment: The p.Y460F variant (also known as c.1379A>T), located in coding exon 5 of the AXIN2 gene, results from an A to T substitution at nucleotide position 1379. The tyrosine at codon 460 is replaced by phenylalanine, an amino acid with highly similar properties. This amino acid position is conserved. In addition, this alteration is predicted to be tolerated by in silico analysis. Based on the available evidence, the clinical significance of this variant remains unclear.

NM_004655.4(AXIN2):c.1379A>T (p.Tyr460Phe)

Gene: AXIN2 (axin 2; minus strand). Cytogenetic location: 17q24.1.
Variant type: single nucleotide variant.
Coding change: c.1379A>T on transcript NM_004655.4 (MANE Select); coding-DNA position 1379, A replaced by T.
Protein change: p.Tyr460Phe; replaces tyrosine 460 with phenylalanine.
Molecular consequence: missense variant.
Genome position (GRCh38, 1-based): chr17:65,537,657, T>A on the plus strand (A>T on the coding strand, the complement: AXIN2 is on the minus strand). VCF-style: chr17-65537657-T-A. GRCh37 (hg19) VCF-style: chr17-63533775-T-A.
Other names: c.1379A>T, p.Tyr460Phe (NM_001363813.1); short protein forms Y460F.
Identifiers: ClinVar variation 3980848 (VCV003980848.1).